The following is an entry in ClinVar:

ClinVar aggregate classification (germline): Uncertain significance (1 of 4 stars; one submission).

Conditions:
Emery-Dreifuss muscular dystrophy 5, autosomal dominant (EDMD5). Also called: EMERY-DREIFUSS MUSCULAR DYSTROPHY 5. Identifiers: Orphanet 261, MedGen C2751805, MONDO:0013072, OMIM 612999.

Submission:

Labcorp Genetics (formerly Invitae), Labcorp
Classification: Uncertain significance for Emery-Dreifuss muscular dystrophy 5, autosomal dominant. Last evaluated: 2024-02-09. Review status: criteria provided, single submitter. Criteria: Invitae Variant Classification Sherloc (09022015). Collection method: clinical testing. Allele origin: germline.
Comment: This variant, c.14233_14241del, results in the deletion of 3 amino acid(s) of the SYNE2 protein (p.Gln4745_Met4747del), but otherwise preserves the integrity of the reading frame. This variant is not present in population databases (gnomAD no frequency). This variant has not been reported in the literature in individuals affected with SYNE2-related conditions. Experimental studies and prediction algorithms are not available or were not evaluated, and the functional significance of this variant is currently unknown. In summary, the available evidence is currently insufficient to determine the role of this variant in disease. Therefore, it has been classified as a Variant of Uncertain Significance.

NM_182914.3(SYNE2):c.14233_14241del (p.Gln4745_Met4747del)

Gene: SYNE2 (spectrin repeat containing nuclear envelope protein 2; plus strand). Cytogenetic location: 14q23.2.
Variant type: Deletion.
Coding change: c.14233_14241del on transcript NM_182914.3 (MANE Select); coding-DNA positions 14233 to 14241, 9 bases deleted (CAAGGCATG; older notation c.14233_14241delCAAGGCATG).
Protein change: p.Gln4745_Met4747del.
Genome position (GRCh38, 1-based): chr14:64,130,141-64,130,149, CAAGGCATG deleted; deleting any 9 consecutive bases within chr14:64,130,139-64,130,149 gives the same sequence; the c. name uses the placement nearest the transcript's 3' end. VCF-style (leftmost placement, unchanged base first): chr14-64130138-TTGCAAGGCA-T. GRCh37 (hg19) VCF-style: chr14-64596856-TTGCAAGGCA-T.
Other names: c.14233_14241del, p.Gln4745_Met4747del (NM_015180.6).
Identifiers: ClinVar variation 3712312 (VCV003712312.2).